The following is an entry in ClinVar:

NM_002291.3(LAMB1):c.3200G>A (p.Arg1067His)

Gene: LAMB1 (laminin subunit beta 1; minus strand). Cytogenetic location: 7q31.1.
Variant type: single nucleotide variant.
Coding change: c.3200G>A on transcript NM_002291.3 (MANE Select); coding-DNA position 3200, G replaced by A.
Protein change: p.Arg1067His; replaces arginine 1067 with histidine.
Molecular consequence: missense variant.
Genome position (GRCh38, 1-based): chr7:107,952,103, C>T on the plus strand (G>A on the coding strand, the complement: LAMB1 is on the minus strand). VCF-style: chr7-107952103-C-T. GRCh37 (hg19) VCF-style: chr7-107592548-C-T.
Other names: c.3200G>A (NM_002291.2); short protein forms R1067H.
Identifiers: ClinVar variation 1469469 (VCV001469469.8), dbSNP rs549235917, ClinGen allele CA4435405.

ClinVar aggregate classification (germline): Uncertain significance. Review status: criteria provided, multiple submitters, no conflicts (2 of 4 stars). 2 submissions from 2 submitters: Uncertain significance (2). Last evaluated 2025-11-02.

Conditions:
Inborn genetic diseases. Identifiers: MedGen C0950123, MeSH D030342.

Allele frequency attached by ClinVar (database versions not stated): gnomAD exomes 0.00001 and 0.00004; TOPMed 0.00003; gnomAD 0.00004 and 0.00005; ExAC 0.00007; 1000 Genomes Project 30x 0.00031; 1000 Genomes Project 0.00040.
gnomAD v4.1: 25 of 1,614,028 alleles (0.0015%); highest among the groups gnomAD compares: South Asian, 0.0077%; no homozygotes.

Submissions (2):

Ambry Genetics
Classification: Uncertain significance for Inborn genetic diseases. Last evaluated: 2025-11-02. Review status: criteria provided, single submitter. Criteria: Ambry Variant Classification Scheme 2023. Collection method: clinical testing. Allele origin: germline.

Labcorp Genetics (formerly Invitae), Labcorp
Classification: Uncertain significance. Last evaluated: 2022-08-16. Review status: criteria provided, single submitter. Criteria: Invitae Variant Classification Sherloc (09022015). Collection method: clinical testing. Allele origin: germline.
Comment: This sequence change replaces arginine, which is basic and polar, with histidine, which is basic and polar, at codon 1067 of the LAMB1 protein (p.Arg1067His). This variant is present in population databases (rs549235917, gnomAD 0.01%). This variant has not been reported in the literature in individuals affected with LAMB1-related conditions. ClinVar contains an entry for this variant (Variation ID: 1469469). In summary, the available evidence is currently insufficient to determine the role of this variant in disease. Therefore, it has been classified as a Variant of Uncertain Significance. Algorithms developed to predict the effect of missense changes on protein structure and function output the following: SIFT: "Deleterious"; PolyPhen-2: "Benign"; Align-GVGD: "Class C25". The histidine amino acid residue is found in multiple mammalian species, which suggests that this missense change does not adversely affect protein function.